The following is an entry in ClinVar:

NM_000038.6(APC):c.6863A>G (p.Gln2288Arg)

Gene: APC (APC regulator of Wnt signaling pathway; plus strand). Cytogenetic location: 5q22.2.
Variant type: single nucleotide variant.
Coding change: c.6863A>G on transcript NM_000038.6 (MANE Select); coding-DNA position 6863, A replaced by G.
Protein change: p.Gln2288Arg; replaces glutamine 2288 with arginine.
Molecular consequence: missense variant.
Genome position (GRCh38, 1-based): chr5:112,842,457, A>G. VCF-style: chr5-112842457-A-G. GRCh37 (hg19) VCF-style: chr5-112178154-A-G.
Other names: c.6863A>G, p.Gln2288Arg (NM_001127510.3, NM_001354895.2); c.6809A>G, p.Gln2270Arg (NM_001127511.3); c.6917A>G, p.Gln2306Arg (NM_001354896.2); c.6893A>G, p.Gln2298Arg (NM_001354897.2); c.6788A>G, p.Gln2263Arg (NM_001354898.2); c.6779A>G, p.Gln2260Arg (NM_001354899.2); c.6740A>G, p.Gln2247Arg (NM_001354900.2); c.6686A>G, p.Gln2229Arg (NM_001354901.2); and 5 more; short protein forms Q2162R, Q2197R, Q2263R, Q2005R, Q2128R, Q2187R, Q2270R, Q2288R.
Identifiers: ClinVar variation 826670 (VCV000826670.4), dbSNP rs1580675725, ClinGen allele CA16036311.

ClinVar aggregate classification (germline): Uncertain significance (1 of 4 stars; one submission).

Conditions:
Hereditary cancer-predisposing syndrome. Also called: Neoplastic Syndromes, Hereditary; Tumor predisposition; Hereditary neoplastic syndrome; Hereditary Cancer Syndrome. Identifiers: Orphanet 140162, MedGen C0027672, MeSH D009386, MONDO:0015356.

Submission:

Ambry Genetics
Classification: Uncertain significance for Hereditary cancer-predisposing syndrome. Last evaluated: 2018-03-21. Review status: criteria provided, single submitter. Criteria: Ambry Variant Classification Scheme 2023. Collection method: clinical testing. Allele origin: germline.
Comment: The p.Q2288R variant (also known as c.6863A>G), located in coding exon 15 of the APC gene, results from an A to G substitution at nucleotide position 6863. The glutamine at codon 2288 is replaced by arginine, an amino acid with highly similar properties. This amino acid position is well conserved in available vertebrate species. In addition, in silico predictors for this gene do not accurately predict pathogenicity. Since supporting evidence is limited at this time, the clinical significance of this alteration remains unclear.